The following is an entry in ClinVar:

NM_001257281.2(DIS3L2):c.1644T>C (p.Asp548=)

Gene: DIS3L2 (DIS3 like 3'-5' exoribonuclease 2; plus strand). Cytogenetic location: 2q37.1.
Variant type: single nucleotide variant.
Coding change: c.1644T>C on transcript NM_001257281.2; coding-DNA position 1644, T replaced by C.
Protein change: p.Asp548=; no amino-acid change (aspartic acid 548 retained).
Molecular consequence: synonymous variant.
Genome position (GRCh38, 1-based): chr2:232,343,407, T>C. VCF-style: chr2-232343407-T-C. GRCh37 (hg19) VCF-style: chr2-233208117-T-C.
Identifiers: ClinVar variation 1692604 (VCV001692604.23), dbSNP rs142369101, ClinGen allele CA2164743.

ClinVar aggregate classification (germline): Likely benign. Review status: criteria provided, multiple submitters, no conflicts (2 of 4 stars). 2 submissions from 2 submitters: Likely benign (2). Last evaluated 2026-01-01.

Conditions:
Perlman syndrome (PRLMNS). Identifiers: Orphanet 2849, MedGen C0796113, MONDO:0009965, OMIM 267000.

Allele frequency attached by ClinVar (database versions not stated): gnomAD 0.00006; 1000 Genomes Project 0.00040; TOPMed 0.00005; gnomAD exomes 0.00010; ExAC 0.00010; 1000 Genomes Project 30x 0.00031.
gnomAD v4.1: 171 of 1,556,800 alleles (0.011%); highest among the groups gnomAD compares: Non-Finnish European, 0.013%; no homozygotes.

Submissions (2):

CeGaT Center for Human Genetics Tuebingen
Classification: Likely benign. Last evaluated: 2026-01-01. Review status: criteria provided, single submitter. Criteria: CeGaT Center For Human Genetics Tuebingen Variant Classification Criteria Version 2. Collection method: clinical testing. Allele origin: germline. Affected: yes. Observed: 3 variant alleles.
Comment: DIS3L2: BP4, BP7

Sema4
Classification: Likely benign for Perlman syndrome. Last evaluated: 2021-11-01. Review status: criteria provided, single submitter. Criteria: Sema4 Curation Guidelines. Collection method: curation. Allele origin: germline.